The following is an entry in ClinVar:

NM_000094.4(COL7A1):c.266+1G>A

Gene: COL7A1 (collagen type VII alpha 1 chain; minus strand). Cytogenetic location: 3p21.31.
Variant type: single nucleotide variant.
Coding change: c.266+1G>A on transcript NM_000094.4 (MANE Select); the canonical splice donor site of the intron after coding-DNA position 266, G replaced by A.
Molecular consequence: splice donor variant.
Genome position (GRCh38, 1-based): chr3:48,594,367, C>T on the plus strand (G>A on the coding strand, the complement: COL7A1 is on the minus strand). VCF-style: chr3-48594367-C-T. GRCh37 (hg19) VCF-style: chr3-48631800-C-T.
Other names: c.266+1G>A (NM_000094.3).
Identifiers: ClinVar variation 3589294 (VCV003589294.2).

ClinVar aggregate classification (germline): Pathogenic/Likely pathogenic. Review status: criteria provided, multiple submitters, no conflicts (2 of 4 stars). 2 submissions from 2 submitters: Pathogenic (1); Likely pathogenic (1). Last evaluated 2025-12-31.

Conditions:
Nonsyndromic congenital nail disorder 8. Also called: TOENAIL DYSTROPHY, ISOLATED. Identifiers: MedGen C1843761, MONDO:0011852, OMIM 607523.
Recessive dystrophic epidermolysis bullosa (RDEB). Also called: severe generalized recessive dystrophic epidermolysis bullosa; EPIDERMOLYSIS BULLOSA DYSTROPHICA, GENERALIZED SEVERE, AUTOSOMAL RECESSIVE; DYSTROPHIC EPIDERMOLYSIS BULLOSA, AUTOSOMAL RECESSIVE; EPIDERMOLYSIS BULLOSA DYSTROPHICA, HALLOPEAU-SIEMENS TYPE; epidermolysis bullosa dystrophica, autosomal recessive; Recessive DEB (RDEB). Identifiers: Orphanet 79408, Orphanet 79409, MedGen C0079474, MONDO:0009179, OMIM 226600.
Dominant dystrophic epidermolysis bullosa with absence of skin. Also called: EPIDERMOLYSIS BULLOSA WITH CONGENITAL LOCALIZED ABSENCE OF SKIN AND DEFORMITY OF NAILS; EPIDERMOLYSIS BULLOSA DYSTROPHICA, BART TYPE. Identifiers: MedGen C0268371, MONDO:0007557, OMIM 132000.
Generalized dominant dystrophic epidermolysis bullosa (DDEB). Also called: Dominant DEB (DDEB); DDEB, generalized; DDEB-gen; DYSTROPHIC EPIDERMOLYSIS BULLOSA, AUTOSOMAL DOMINANT; Epidermolysis bullosa dystrophica, autosomal dominant. Identifiers: Orphanet 231568, MedGen C0432322, MONDO:0007549, OMIM 131750.
Epidermolysis bullosa pruriginosa. Also called: DEB, PRURIGINOSA; DYSTROPHIC EPIDERMOLYSIS BULLOSA PRURIGINOSA. Identifiers: Orphanet 89843, MedGen C1275114, MONDO:0011398, OMIM 604129.
Transient bullous dermolysis of the newborn (TBDN). Also called: DYSTROPHIC EPIDERMOLYSIS BULLOSA, NEONATAL; EPIDERMOLYSIS BULLOSA DYSTROPHICA, NEONATAL FORM. Identifiers: Orphanet 79411, MedGen C1851573, MONDO:0007548, OMIM 131705.
Pretibial dystrophic epidermolysis bullosa. Also called: Pretibial epidermolysis bullosa; EPIDERMOLYSIS BULLOSA DYSTROPHICA, PRETIBIAL; Pretibial blistering. Identifiers: Orphanet 79410, MedGen C0432321, MONDO:0007552, OMIM 131850, HP:0012221.
Epidermolysis bullosa dystrophica. Also called: Dystrophic epidermolysis bullosa, Hallopeau-Siemens type (formerly); Dystrophic epidermolysis bullosa. Identifiers: Orphanet 303, MedGen C0079294, MONDO:0006543.

Submissions (2):

Natera, Inc.
Classification: Pathogenic for Dystrophic epidermolysis bullosa. Last evaluated: 2025-12-31. Review status: criteria provided, single submitter. Criteria: Natera Variant Classification Schema (03/2026). Collection method: clinical testing. Allele origin: germline.
Comment: The c.266+1G>A variant in COL7A1 is a canonical splice donor site variant predicted to affect pre-mRNA splicing, which may result in an abnormal transcript and altered protein product. This variant is expected to result in nonsense mediated decay, truncation, or a dysfunctional protein product. This variant is rare in the general population with a frequency below the threshold expected for the associated phenotype(s). This variant has been observed in one or more individuals affected with the associated recessive disease, as either homozygous or compound heterozygous with a second variant (PMID: 32484238, 36287101). Given the available evidence, this variant is classified as Pathogenic.

Fulgent Genetics
Classification: Likely pathogenic for Transient bullous dermolysis of the newborn; Generalized dominant dystrophic epidermolysis bullosa; Pretibial dystrophic epidermolysis bullosa; Dominant dystrophic epidermolysis bullosa with absence of skin; Recessive dystrophic epidermolysis bullosa; Epidermolysis bullosa pruriginosa; Nonsyndromic congenital nail disorder 8. Last evaluated: 2024-02-23. Review status: criteria provided, single submitter. Criteria: ACMG Guidelines, 2015. Collection method: clinical testing. Allele origin: germline.

Literature cited by the submitters: PubMed 32484238 (cited by Natera, Inc.); PubMed 36287101 (cited by Natera, Inc.).